The following is an entry in ClinVar:

NM_001111.5(ADAR):c.1826T>C (p.Phe609Ser)

Gene: ADAR (adenosine deaminase RNA specific; minus strand). Cytogenetic location: 1q21.3.
Variant type: single nucleotide variant.
Coding change: c.1826T>C on transcript NM_001111.5 (MANE Select); coding-DNA position 1826, T replaced by C.
Protein change: p.Phe609Ser; replaces phenylalanine 609 with serine.
Molecular consequence: missense variant.
Genome position (GRCh38, 1-based): chr1:154,597,936, A>G on the plus strand (T>C on the coding strand, the complement: ADAR is on the minus strand). VCF-style: chr1-154597936-A-G. GRCh37 (hg19) VCF-style: chr1-154570412-A-G.
Other names: c.941T>C, p.Phe314Ser (NM_001025107.3, NM_001193495.2, NM_001365046.1 and 3 more transcripts); c.1853T>C, p.Phe618Ser (NM_001365045.1); c.1826T>C, p.Phe609Ser (NM_015840.4, NM_015841.4); short protein forms F609S, F314S, F618S.
Identifiers: ClinVar variation 2925297 (VCV002925297.3), dbSNP rs767850785, ClinGen allele CA1131450.

ClinVar aggregate classification (germline): Uncertain significance (1 of 4 stars; one submission).

Conditions:
Symmetrical dyschromatosis of extremities (DSH). Also called: RETICULATE ACROPIGMENTATION OF DOHI; SYMMETRIC DYSCHROMATOSIS OF THE EXTREMITIES; DYSCHROMATOSIS SYMMETRICA HEREDITARIA 1; Dyschromatosis symmetrica hereditaria. Identifiers: Orphanet 41, MedGen C0406775, MONDO:0007483, OMIM 127400.
Aicardi-Goutieres syndrome 6 (AGS6). Identifiers: Orphanet 51, MedGen C3539013, MONDO:0014007, OMIM 615010.

Allele frequency attached by ClinVar (database versions not stated): TOPMed below 0.00001; gnomAD 0.00001; ExAC 0.00002; gnomAD exomes 0.00002.
gnomAD v4.1: 34 of 1,614,022 alleles (0.0021%); highest among the groups gnomAD compares: East Asian, 0.016%; no homozygotes.

Submission:

Labcorp Genetics (formerly Invitae), Labcorp
Classification: Uncertain significance for Aicardi-Goutieres syndrome 6; Symmetrical dyschromatosis of extremities. Last evaluated: 2023-10-03. Review status: criteria provided, single submitter. Criteria: Invitae Variant Classification Sherloc (09022015). Collection method: clinical testing. Allele origin: germline.
Comment: This sequence change replaces phenylalanine, which is neutral and non-polar, with serine, which is neutral and polar, at codon 609 of the ADAR protein (p.Phe609Ser). This variant is present in population databases (rs767850785, gnomAD 0.01%). This variant has not been reported in the literature in individuals affected with ADAR-related conditions. Advanced modeling of protein sequence and biophysical properties (such as structural, functional, and spatial information, amino acid conservation, physicochemical variation, residue mobility, and thermodynamic stability) performed at Invitae indicates that this missense variant is not expected to disrupt ADAR protein function. In summary, the available evidence is currently insufficient to determine the role of this variant in disease. Therefore, it has been classified as a Variant of Uncertain Significance.